The following is an entry in ClinVar:

ClinVar aggregate classification (germline): Conflicting classifications of pathogenicity. Review status: criteria provided, conflicting classifications (1 of 4 stars). 4 submissions from 4 submitters: Uncertain significance (3); Likely benign (1). Last evaluated 2025-05-13.

Conditions:
Inborn genetic diseases. Identifiers: MedGen C0950123, MeSH D030342.
Hereditary sensory neuropathy-deafness-dementia syndrome. Also called: Hereditary sensory neuropathy type IE; NEUROPATHY, HEREDITARY SENSORY, WITH HEARING LOSS AND DEMENTIA; Hereditary Sensory and Autonomic Neuropathy Type 1E (HSAN1E); HSN IE. Identifiers: Orphanet 456318, MedGen C3279885, MONDO:0013584, OMIM 614116.

Allele frequency attached by ClinVar (database versions not stated): gnomAD 0.00001 and 0.00002; gnomAD exomes 0.00004 and 0.00007; ExAC 0.00008; ESP Exome Variant Server 0.00008; TOPMed 0.00008.
gnomAD v4.1: 59 of 1,612,464 alleles (0.0037%); highest among the groups gnomAD compares: Middle Eastern, 0.13%; no homozygotes.

Submissions (4):

Labcorp Genetics (formerly Invitae), Labcorp
Classification: Uncertain significance for Hereditary sensory neuropathy-deafness-dementia syndrome. Last evaluated: 2025-05-13. Review status: criteria provided, single submitter. Criteria: Invitae Variant Classification Sherloc (09022015). Collection method: clinical testing. Allele origin: germline.
Comment: This sequence change replaces serine, which is neutral and polar, with leucine, which is neutral and non-polar, at codon 1398 of the DNMT1 protein (p.Ser1398Leu). This variant is present in population databases (rs375225009, gnomAD 0.03%), and has an allele count higher than expected for a pathogenic variant. This missense change has been observed in individual(s) with clinical features of cerebellar ataxia, deafness, and narcolepsy (PMID: 35640668). ClinVar contains an entry for this variant (Variation ID: 618605). Invitae Evidence Modeling of protein sequence and biophysical properties (such as structural, functional, and spatial information, amino acid conservation, physicochemical variation, residue mobility, and thermodynamic stability) indicates that this missense variant is not expected to disrupt DNMT1 protein function with a negative predictive value of 80%. In summary, the available evidence is currently insufficient to determine the role of this variant in disease. Therefore, it has been classified as a Variant of Uncertain Significance.

GeneDx
Classification: Uncertain significance. Last evaluated: 2025-05-02. Review status: criteria provided, single submitter. Criteria: GeneDx Variant Classification Process June 2021. Collection method: clinical testing. Allele origin: germline. Affected: yes.
Comment: Reported in a family with hearing loss in published literature (PMID: 35640668); In silico analysis supports that this missense variant has a deleterious effect on protein structure/function; This variant is associated with the following publications: (PMID: 35640668)

Ambry Genetics
Classification: Likely benign for Inborn genetic diseases. Last evaluated: 2020-03-19. Review status: criteria provided, single submitter. Criteria: Ambry Variant Classification Scheme 2023. Collection method: clinical testing. Allele origin: germline.

ARUP Laboratories, Molecular Genetics and Genomics, ARUP Laboratories
Classification: Uncertain significance. Last evaluated: 2018-04-12. Review status: criteria provided, single submitter. Criteria: ARUP Molecular Germline Variant Investigation Process. Collection method: clinical testing. Allele origin: germline.
Comment: The DNMT1: p.Ser1398Leu variant (rs375225009) has not been reported in the medical literature, gene specific variation databases, nor has it been previously identified by our laboratory. This variant is listed in the Genome Aggregation Database (gnomAD) with a frequency of 0.03 percent in the Latino population (identified on 10 out of 34,154 chromosomes). The serine at position 1398 is moderately conserved considering 12 species (Alamut v2.11) and computational analyses of the p.Ser1398Leu variant on protein structure and function indicate a deleterious effect (SIFT: damaging, PolyPhen-2: possibly damaging). Altogether, there is not enough evidence to classify the p.Ser1398Leu variant with certainty.

Literature cited by the submitters: PubMed 35640668 (cited by Labcorp Genetics (formerly Invitae), Labcorp).

NM_001130823.3(DNMT1):c.4193C>T (p.Ser1398Leu)

Gene: DNMT1 (DNA methyltransferase 1; minus strand). Cytogenetic location: 19p13.2.
Variant type: single nucleotide variant.
Coding change: c.4193C>T on transcript NM_001130823.3 (MANE Select); coding-DNA position 4193, C replaced by T.
Protein change: p.Ser1398Leu; replaces serine 1398 with leucine.
Molecular consequence: missense variant.
Genome position (GRCh38, 1-based): chr19:10,137,932, G>A on the plus strand (C>T on the coding strand, the complement: DNMT1 is on the minus strand). VCF-style: chr19-10137932-G-A. GRCh37 (hg19) VCF-style: chr19-10248608-G-A.
Other names: c.4193C>T (LRG_362t1); c.4145C>T, p.Ser1382Leu (NM_001318730.2, NM_001379.4); c.3830C>T, p.Ser1277Leu (NM_001318731.2); short protein forms S1398L, S1277L, S1382L.
Identifiers: ClinVar variation 618605 (VCV000618605.23), dbSNP rs375225009, ClinGen allele CA9187566.